The following is an entry in ClinVar:

NM_032608.7(MYO18B):c.4693G>A (p.Asp1565Asn)

Genes: MYO18B (myosin XVIIIB; plus strand), MYO18B-AS1 (MYO18B antisense RNA 1; minus strand). Cytogenetic location: 22q12.1.
Variant type: single nucleotide variant.
Coding change: c.4693G>A on transcript NM_032608.7 (MANE Select); coding-DNA position 4693, G replaced by A.
Protein change: p.Asp1565Asn; replaces aspartic acid 1565 with asparagine.
Molecular consequence: missense variant.
Genome position (GRCh38, 1-based): chr22:25,898,331, G>A. VCF-style: chr22-25898331-G-A. GRCh37 (hg19) VCF-style: chr22-26294298-G-A.
Other names: c.4696G>A, p.Asp1566Asn (NM_001318245.2); short protein forms D1566N, D1565N.
Identifiers: ClinVar variation 2114397 (VCV002114397.4), dbSNP rs2517836577, ClinGen allele CA411010559.

ClinVar aggregate classification (germline): Uncertain significance (1 of 4 stars; one submission).

Submission:

Labcorp Genetics (formerly Invitae), Labcorp
Classification: Uncertain significance. Last evaluated: 2025-06-02. Review status: criteria provided, single submitter. Criteria: Invitae Variant Classification Sherloc (09022015). Collection method: clinical testing. Allele origin: germline.
Comment: This sequence change replaces aspartic acid, which is acidic and polar, with asparagine, which is neutral and polar, at codon 1565 of the MYO18B protein (p.Asp1565Asn). This variant is not present in population databases (gnomAD no frequency). This variant has not been reported in the literature in individuals affected with MYO18B-related conditions. ClinVar contains an entry for this variant (Variation ID: 2114397). An algorithm developed to predict the effect of missense changes on protein structure and function (PolyPhen-2) suggests that this variant is likely to be tolerated. In summary, the available evidence is currently insufficient to determine the role of this variant in disease. Therefore, it has been classified as a Variant of Uncertain Significance.